The following is an entry in ClinVar:

NM_001253852.3(AP4B1):c.1067G>T (p.Cys356Phe)

Genes: AP4B1 (adaptor related protein complex 4 subunit beta 1; minus strand), AP4B1-AS1 (AP4B1 antisense RNA 1; plus strand). Cytogenetic location: 1p13.2.
Variant type: single nucleotide variant.
Coding change: c.1067G>T on transcript NM_001253852.3 (MANE Select); coding-DNA position 1067, G replaced by T.
Protein change: p.Cys356Phe; replaces cysteine 356 with phenylalanine.
Molecular consequence: missense variant. On other transcripts: non-coding transcript variant (2).
Genome position (GRCh38, 1-based): chr1:113,899,951, C>A on the plus strand (G>T on the coding strand, the complement: AP4B1 is on the minus strand). VCF-style: chr1-113899951-C-A. GRCh37 (hg19) VCF-style: chr1-114442573-C-A.
Other names: c.770G>T, p.Cys257Phe (NM_001253853.3); c.563G>T, p.Cys188Phe (NM_001308312.2); c.1067G>T, p.Cys356Phe (NM_006594.5); short protein forms C188F, C257F, C356F.
Identifiers: ClinVar variation 1397469 (VCV001397469.7), dbSNP rs770948820, ClinGen allele CA28997120.
Genomic context (GRCh38, chr1:113,899,951, plus strand): 5'-AGCAGACACCTACCTATGGCAAAGATGGCAGCCTGTGCAAAGTCCGCAGACACATCCGTG[C>A]AGTACCCTCGAAGCTCCTCTAGCACCTGCTGCACATTCTCATCGTTCACCAGTTCACACA-3'
Protein context (NP_001240781.1, residues 346-366): QQVLEELRGY[Cys356Phe]TDVSADFAQA

ClinVar aggregate classification (germline): Uncertain significance (1 of 4 stars; one submission).

Conditions:
Hereditary spastic paraplegia 47. Also called: Spastic paraplegia 47, autosomal recessive; adaptor protein 4 (AP-4) deficiency syndrome; CEREBRAL PALSY, SPASTIC QUADRIPLEGIC, 5. Identifiers: Orphanet 280763, MedGen C3279738, MONDO:0013551, OMIM 614066.

gnomAD v4.1: 2 of 1,614,078 alleles (0.00012%); highest among the groups gnomAD compares: African/African-American, 0.0027%; no homozygotes.

Submission:

Labcorp Genetics (formerly Invitae), Labcorp
Classification: Uncertain significance for Hereditary spastic paraplegia 47. Last evaluated: 2022-08-16. Review status: criteria provided, single submitter. Criteria: Invitae Variant Classification Sherloc (09022015). Collection method: clinical testing. Allele origin: germline.
Comment: In summary, the available evidence is currently insufficient to determine the role of this variant in disease. Therefore, it has been classified as a Variant of Uncertain Significance. Algorithms developed to predict the effect of missense changes on protein structure and function are either unavailable or do not agree on the potential impact of this missense change (SIFT: "Deleterious"; PolyPhen-2: "Probably Damaging"; Align-GVGD: "Class C0"). ClinVar contains an entry for this variant (Variation ID: 1397469). This variant has not been reported in the literature in individuals affected with AP4B1-related conditions. This variant is present in population databases (no rsID available, gnomAD 0.007%). This sequence change replaces cysteine, which is neutral and slightly polar, with phenylalanine, which is neutral and non-polar, at codon 356 of the AP4B1 protein (p.Cys356Phe).